The following is an entry in ClinVar:

ClinVar aggregate classification (germline): Uncertain significance (1 of 4 stars; one submission).

Conditions:
Hereditary cancer-predisposing syndrome. Also called: Neoplastic Syndromes, Hereditary; Tumor predisposition; Hereditary Cancer Syndrome; Hereditary neoplastic syndrome. Identifiers: Orphanet 140162, MedGen C0027672, MeSH D009386, MONDO:0015356.

Submission:

Ambry Genetics
Classification: Uncertain significance for Hereditary cancer-predisposing syndrome. Last evaluated: 2025-07-28. Review status: criteria provided, single submitter. Criteria: Ambry Variant Classification Scheme 2023. Collection method: clinical testing. Allele origin: germline.
Comment: The p.R934G variant (also known as c.2800A>G), located in coding exon 24 of the TSC2 gene, results from an A to G substitution at nucleotide position 2800. The arginine at codon 934 is replaced by glycine, an amino acid with dissimilar properties. This amino acid position is conserved. In addition, this alteration is predicted to be deleterious by in silico analysis. Based on the available evidence, the clinical significance of this variant remains unclear.

NM_000548.5(TSC2):c.2800A>G (p.Arg934Gly)

Gene: TSC2 (TSC complex subunit 2; plus strand). Cytogenetic location: 16p13.3.
Variant type: single nucleotide variant.
Coding change: c.2800A>G on transcript NM_000548.5 (MANE Select); coding-DNA position 2800, A replaced by G.
Protein change: p.Arg934Gly; replaces arginine 934 with glycine.
Molecular consequence: missense variant. On other transcripts: non-coding transcript variant (5).
Genome position (GRCh38, 1-based): chr16:2,076,548, A>G. VCF-style: chr16-2076548-A-G. GRCh37 (hg19) VCF-style: chr16-2126549-A-G.
Other names: c.2800A>G, p.Arg934Gly (NM_001077183.3, NM_001406665.1, NM_001114382.3 and 6 more transcripts); c.2890A>G, p.Arg964Gly (NM_001406667.1, NM_001406668.1); c.2689A>G, p.Arg897Gly (NM_001406670.1, NM_001318827.2, NM_001406678.1); c.2788A>G, p.Arg930Gly (NM_001406671.1, NM_001406673.1); c.2653A>G, p.Arg885Gly (NM_001406675.1, NM_001406676.1, NM_001318829.2 and 1 more transcripts); c.2743A>G, p.Arg915Gly (NM_001406677.1); c.2200A>G, p.Arg734Gly (NM_001318831.2, NM_001406687.1, NM_001406688.1 and 6 more transcripts); c.2833A>G, p.Arg945Gly (NM_001318832.2); and 3 more; short protein forms R486G, R945G, R780G, R964G, R734G, R934G, R400G, R885G.
Identifiers: ClinVar variation 4192164 (VCV004192164.1).